The following is an entry in ClinVar:

NM_024490.4(ATP10A):c.1777G>A (p.Val593Met)

Gene: ATP10A (ATPase phospholipid transporting 10A (putative); minus strand). Cytogenetic location: 15q12.
Variant type: single nucleotide variant.
Coding change: c.1777G>A on transcript NM_024490.4 (MANE Select); coding-DNA position 1777, G replaced by A.
Protein change: p.Val593Met; replaces valine 593 with methionine.
Molecular consequence: missense variant.
Genome position (GRCh38, 1-based): chr15:25,714,241, C>T on the plus strand (G>A on the coding strand, the complement: ATP10A is on the minus strand). VCF-style: chr15-25714241-C-T. GRCh37 (hg19) VCF-style: chr15-25959388-C-T.
Other names: short protein forms V593M.
Identifiers: ClinVar variation 787113 (VCV000787113.6), dbSNP rs114091283, ClinGen allele CA7436668.

ClinVar aggregate classification (germline): Benign. Review status: criteria provided, single submitter (1 of 4 stars). 2 submissions from 2 submitters: Benign (1). 1 of the submissions does not count toward it. Last evaluated 2019-12-31.

Conditions:
ATP10A-related disorder. Also called: ATP10A-related condition.

Allele frequency attached by ClinVar (database versions not stated): gnomAD exomes 0.00112; ExAC 0.00130; 1000 Genomes Project 0.00339; 1000 Genomes Project 30x 0.00375; gnomAD 0.00496 and 0.00454; TOPMed 0.00532; ESP Exome Variant Server 0.00464.
gnomAD v4.1: 1,311 of 1,599,092 alleles (0.082%); highest among the groups gnomAD compares: African/African-American, 1.6%; 20 homozygotes.

Submissions (2):

Labcorp Genetics (formerly Invitae), Labcorp
Classification: Benign. Last evaluated: 2019-12-31. Review status: criteria provided, single submitter. Criteria: Invitae Variant Classification Sherloc (09022015). Collection method: clinical testing. Allele origin: germline.

PreventionGenetics, part of Exact Sciences
Classification: Benign for ATP10A-related condition. Last evaluated: 2019-06-10. Review status: no assertion criteria provided. Collection method: clinical testing. Allele origin: germline. Not counted in ClinVar's aggregate classification.
Comment: This variant is classified as benign based on ACMG/AMP sequence variant interpretation guidelines (Richards et al. 2015 PMID: 25741868, with internal and published modifications).